The following is an entry in ClinVar:

NM_004364.5(CEBPA):c.851A>G (p.Glu284Gly)

Gene: CEBPA (CCAAT enhancer binding protein alpha; minus strand). Cytogenetic location: 19q13.11.
Variant type: single nucleotide variant.
Coding change: c.851A>G on transcript NM_004364.5 (MANE Select); coding-DNA position 851, A replaced by G.
Protein change: p.Glu284Gly; replaces glutamic acid 284 with glycine.
Molecular consequence: missense variant.
Genome position (GRCh38, 1-based): chr19:33,301,564, T>C on the plus strand (A>G on the coding strand, the complement: CEBPA is on the minus strand). VCF-style: chr19-33301564-T-C. GRCh37 (hg19) VCF-style: chr19-33792470-T-C.
Other names: c.494A>G, p.Glu165Gly (NM_001285829.2); c.956A>G, p.Glu319Gly (NM_001287424.2); c.809A>G, p.Glu270Gly (NM_001287435.2); short protein forms E319G, E165G, E270G, E284G.
Identifiers: ClinVar variation 4000025 (VCV004000025.1).
Genomic context (GRCh38, chr19:33,301,564, plus strand): 5'-TTGGCCTTGTCGCGGCTCTTGCGCACCGCGATGTTGTTGCGCTCGCGCCGCACCCGGTAC[T>C]CGTTGCTGTTCTTGTCCACCGACTTCTTGGCCTTGCCCGCGCCGCTGCCGCCACTCGCGC-3'
Protein context (NP_004355.2, residues 274-294): AKKSVDKNSN[Glu284Gly]YRVRRERNNI

ClinVar aggregate classification (germline): Uncertain significance (1 of 4 stars; one submission).

Conditions:
Inborn genetic diseases. Identifiers: MedGen C0950123, MeSH D030342.

Submission:

Ambry Genetics
Classification: Uncertain significance for Inborn genetic diseases. Last evaluated: 2025-06-07. Review status: criteria provided, single submitter. Criteria: Ambry Variant Classification Scheme 2023. Collection method: clinical testing. Allele origin: germline.
Comment: The p.E284G variant (also known as c.851A>G), located in coding exon 1 of the CEBPA gene, results from an A to G substitution at nucleotide position 851. The glutamic acid at codon 284 is replaced by glycine, an amino acid with similar properties. This amino acid position is conserved. In addition, the in silico prediction for this alteration is inconclusive. Based on the available evidence, the clinical significance of this variant remains unclear.